The following is an entry in ClinVar:

ClinVar aggregate classification (germline): Uncertain significance. Review status: criteria provided, multiple submitters, no conflicts (2 of 4 stars). 4 submissions from 4 submitters: Uncertain significance (3). 1 of the submissions does not count toward it. Last evaluated 2023-10-12.

Conditions:
Cryopyrin associated periodic syndrome (CAPS). Identifiers: Orphanet 208650, MedGen C2316212, MONDO:0016168.
Familial cold autoinflammatory syndrome 1 (FCAS1). Also called: Familial cold inflammatory syndrome 1; CRYOPYRIN-ASSOCIATED PERIODIC SYNDROME 1. Identifiers: Orphanet 47045, MedGen C4551895, MONDO:0007349, OMIM 120100.

Submissions (4):

Blueprint Genetics
Classification: Uncertain significance. Last evaluated: 2023-10-12. Review status: criteria provided, single submitter. Criteria: ACMG Guidelines, 2015. Collection method: clinical testing. Allele origin: germline.

Labcorp Genetics (formerly Invitae), Labcorp
Classification: Uncertain significance for Cryopyrin associated periodic syndrome. Last evaluated: 2022-06-09. Review status: criteria provided, single submitter. Criteria: Invitae Variant Classification Sherloc (09022015). Collection method: clinical testing. Allele origin: germline.
Comment: This missense change has been observed in individual(s) with cryopyrin-associated periodic syndrome (PMID: 21109514). In summary, the available evidence is currently insufficient to determine the role of this variant in disease. Therefore, it has been classified as a Variant of Uncertain Significance. Experimental studies have shown that this missense change affects NLRP3 function (PMID: 30069026). Algorithms developed to predict the effect of missense changes on protein structure and function (SIFT, PolyPhen-2, Align-GVGD) all suggest that this variant is likely to be tolerated. ClinVar contains an entry for this variant (Variation ID: 97955). This variant is also known as Glu690Lys. This variant is not present in population databases (gnomAD no frequency). This sequence change replaces glutamic acid, which is acidic and polar, with lysine, which is basic and polar, at codon 692 of the NLRP3 protein (p.Glu692Lys).

Victorian Clinical Genetics Services, Murdoch Childrens Research Institute
Classification: Uncertain significance for Cryopyrin associated periodic syndrome. Last evaluated: 2020-06-11. Review status: criteria provided, single submitter. Criteria: ACMG Guidelines, 2015. Collection method: clinical testing. Allele origin: germline. Inheritance: Autosomal dominant inheritance. Affected: yes.
Comment: Based on the classification scheme VCGS_Germline_v1.1.1, this variant is classified as 3A-VUS. Following criteria are met: 0101 - Gain-of-function is a known mechanism of disease for this gene. (N) 0107 - This gene is known to be associated with autosomal dominant disease. (N) 0200 - Variant is predicted to result in a missense amino acid change from a glutamic acid to a lysine (exon 3). (N) 0251 - Variant is heterozygous. (N) 0301 - Variant is absent from gnomAD. (P) 0503 - Missense variant with conflicting in silico predictions and is not conserved in mammals, with a minor amino acid change. (B) 0604 - Variant is not located in an established domain, motif, hotspot or informative constraint region. (N) 0705 - No comparable variants have previous evidence for pathogenicity. (N) 0803 - Low previous evidence of pathogenicity in unrelated individuals. This variant has been previously reported in patient with cryopyrin-associated periodic syndromes (PMID: 21109514). (P) 0905 - No segregation evidence has been identified for this variant. (N) 1002 - Moderate functional evidence supporting abnormal protein function. Functional studies show that this variant causes elevated caspase-1 activation when compared to WT protein (PMID: 30069026). (N) Legend: (P) - Pathogenic, (N) - Neutral, (B) - Benign

Unité médicale des maladies autoinflammatoires, CHRU Montpellier
No classification provided. Condition: Familial cold urticaria. Review status: no classification provided. Collection method: not provided. Allele origin: unknown. Not counted in ClinVar's aggregate classification.
Comment: also involved in OMIM 191900 and 607115

Literature cited by the submitters: PubMed 21109514 (cited by Labcorp Genetics (formerly Invitae), Labcorp and Victorian Clinical Genetics Services, Murdoch Childrens Research Institute); PubMed 30069026 (cited by Labcorp Genetics (formerly Invitae), Labcorp and Victorian Clinical Genetics Services, Murdoch Childrens Research Institute).

NM_001243133.2(NLRP3):c.2068G>A (p.Glu690Lys)

Gene: NLRP3 (NLR family pyrin domain containing 3; plus strand). Cytogenetic location: 1q44.
Variant type: single nucleotide variant.
Coding change: c.2068G>A on transcript NM_001243133.2 (MANE Select); coding-DNA position 2068, G replaced by A.
Protein change: p.Glu690Lys; replaces glutamic acid 690 with lysine.
Molecular consequence: missense variant.
Genome position (GRCh38, 1-based): chr1:247,425,517, G>A. VCF-style: chr1-247425517-G-A. GRCh37 (hg19) VCF-style: chr1-247588819-G-A.
Other names: c.2068G>A, p.Glu690Lys (NM_001079821.3, NM_001127461.3, NM_001127462.3 and 1 more transcripts); c.2074G>A, p.Glu692Lys (NM_004895.5); short protein forms E692K, E690K.
Identifiers: ClinVar variation 97955 (VCV000097955.7), dbSNP rs180177495, ClinGen allele CA281298.